The following is an entry in ClinVar:

ClinVar aggregate classification (germline): Likely pathogenic (1 of 4 stars; one submission).

Conditions:
Dilated cardiomyopathy 1G (CMD1G). Identifiers: Orphanet 154, MedGen C1858763, MONDO:0011400, OMIM 604145.
Autosomal recessive limb-girdle muscular dystrophy type 2J (LGMDR10). Also called: Limb-girdle muscular dystrophy, type 2J; MUSCULAR DYSTROPHY, LIMB-GIRDLE, AUTOSOMAL RECESSIVE 10. Identifiers: Orphanet 140922, MedGen C1837342, MONDO:0012127, OMIM 608807.

Submission:

Labcorp Genetics (formerly Invitae), Labcorp
Classification: Likely pathogenic for Dilated cardiomyopathy 1G; Autosomal recessive limb-girdle muscular dystrophy type 2J. Last evaluated: 2024-07-12. Review status: criteria provided, single submitter. Criteria: Invitae Variant Classification Sherloc (09022015). Collection method: clinical testing. Allele origin: germline.
Comment: This sequence change creates a premature translational stop signal (p.Gln7542*) in the TTN gene. While this is not anticipated to result in nonsense mediated decay, it is expected to create a truncated TTN protein. This variant is not present in population databases (gnomAD no frequency). This variant has not been reported in the literature in individuals affected with TTN-related conditions. Algorithms developed to predict the effect of sequence changes on RNA splicing suggest that this variant may disrupt the consensus splice site. This variant is located in the I band of TTN (PMID: 25589632). Truncating variants in this region have been reported in individuals affected with autosomal recessive centronuclear myopathy (PMID: 23975875, Invitae internal data). Truncating variants in this region have also been identified in individuals affected with autosomal dominant dilated cardiomyopathy and/or cardio-related conditions (PMID: 27869827, 32964742, Invitae internal data). In summary, the currently available evidence indicates that the variant is pathogenic, but additional data are needed to prove that conclusively. Therefore, this variant has been classified as Likely Pathogenic.

Literature cited by the submitters: PubMed 25589632; PubMed 23975875; PubMed 27869827; PubMed 32964742.

NM_001267550.2(TTN):c.22624C>T (p.Gln7542Ter)

Gene: TTN (titin; minus strand). Cytogenetic location: 2q31.2.
Variant type: single nucleotide variant.
Coding change: c.22624C>T on transcript NM_001267550.2 (MANE Select); coding-DNA position 22624, C replaced by T.
Protein change: p.Gln7542Ter; replaces glutamine 7542 with a stop codon.
Molecular consequence: nonsense. On other transcripts: intron variant (3).
Genome position (GRCh38, 1-based): chr2:178,722,039, G>A on the plus strand (C>T on the coding strand, the complement: TTN is on the minus strand). VCF-style: chr2-178722039-G-A. GRCh37 (hg19) VCF-style: chr2-179586766-G-A.
Other names: c.21673C>T, p.Gln7225Ter (NM_001256850.1); c.18892C>T, p.Gln6298Ter (NM_133378.4); c.13282+16043C>T (NM_003319.4); c.13858+16043C>T (NM_133437.4); c.13657+16043C>T (NM_133432.3); short protein forms Q6298*, Q7225*, Q7542*.
Identifiers: ClinVar variation 3757021 (VCV003757021.2).